The following is an entry in ClinVar:

ClinVar aggregate classification (germline): Uncertain significance (1 of 4 stars; one submission).

Conditions:
Microcephaly, normal intelligence and immunodeficiency (NBS). Also called: SEEMANOVA SYNDROME II; IMMUNODEFICIENCY, MICROCEPHALY, AND CHROMOSOMAL INSTABILITY; Immunodeficiency, microcephaly with normal intelligence; BERLIN BREAKAGE SYNDROME; Nijmegen breakage syndrome; Microcephaly with normal intelligence immunodeficiency and lymphoreticular malignancies. Identifiers: Orphanet 647, MedGen C0398791, MONDO:0009623, OMIM 251260.

Submission:

Labcorp Genetics (formerly Invitae), Labcorp
Classification: Uncertain significance for Microcephaly, normal intelligence and immunodeficiency. Last evaluated: 2021-04-10. Review status: criteria provided, single submitter. Criteria: Invitae Variant Classification Sherloc (09022015). Collection method: clinical testing. Allele origin: germline.
Comment: Algorithms developed to predict the effect of missense changes on protein structure and function are either unavailable or do not agree on the potential impact of this missense change (SIFT: "Deleterious"; PolyPhen-2: "Possibly Damaging"; Align-GVGD: "Class C0"). This variant has not been reported in the literature in individuals with NBN-related conditions. This variant is not present in population databases (ExAC no frequency). This sequence change replaces glycine with glutamic acid at codon 705 of the NBN protein (p.Gly705Glu). The glycine residue is moderately conserved and there is a moderate physicochemical difference between glycine and glutamic acid. In summary, the available evidence is currently insufficient to determine the role of this variant in disease. Therefore, it has been classified as a Variant of Uncertain Significance.

NM_002485.5(NBN):c.2114G>A (p.Gly705Glu)

Gene: NBN (nibrin; minus strand). Cytogenetic location: 8q21.3.
Variant type: single nucleotide variant.
Coding change: c.2114G>A on transcript NM_002485.5 (MANE Select); coding-DNA position 2114, G replaced by A.
Protein change: p.Gly705Glu; replaces glycine 705 with glutamic acid.
Molecular consequence: missense variant.
Genome position (GRCh38, 1-based): chr8:89,943,323, C>T on the plus strand (G>A on the coding strand, the complement: NBN is on the minus strand). VCF-style: chr8-89943323-C-T. GRCh37 (hg19) VCF-style: chr8-90955551-C-T.
Other names: c.1868G>A, p.Gly623Glu (NM_001024688.3); short protein forms G623E, G705E.
Identifiers: ClinVar variation 856811 (VCV000856811.9), dbSNP rs1810037139, ClinGen allele CA371675645.
Genomic context (GRCh38, chr8:89,943,323, plus strand): 5'-TGCCTTAGCCACTCTTCTAGTTCTGTATTCTTTCGAGCATGATGAGCTATTAGATCTGAT[C>T]CTCCAATGATGTGTGGAAGTTTTCCTGCTCCAGGATATGTGACCTATTGAATAATAAAAG-3'
Protein context (NP_002476.2, residues 695-715): GAGKLPHIIG[Gly705Glu]SDLIAHHARK